The following is an entry in ClinVar:

NM_001165963.4(SCN1A):c.5178G>C (p.Trp1726Cys)

Genes: SCN1A (sodium voltage-gated channel alpha subunit 1; minus strand), LOC102724058 (uncharacterized LOC102724058; plus strand). Cytogenetic location: 2q24.3.
Variant type: single nucleotide variant.
Coding change: c.5178G>C on transcript NM_001165963.4 (MANE Select); coding-DNA position 5178, G replaced by C.
Protein change: p.Trp1726Cys; replaces tryptophan 1726 with cysteine.
Molecular consequence: missense variant. On other transcripts: non-coding transcript variant (1).
Genome position (GRCh38, 1-based): chr2:165,992,097, C>G on the plus strand (G>C on the coding strand, the complement: SCN1A is on the minus strand). VCF-style: chr2-165992097-C-G. GRCh37 (hg19) VCF-style: chr2-166848607-C-G.
Other names: c.5178G>C, p.Trp1726Cys (NM_001353948.2, NM_001202435.3); c.5145G>C, p.Trp1715Cys (NM_001353949.2, NM_001353950.2, NM_001353951.2 and 2 more transcripts); c.5142G>C, p.Trp1714Cys (NM_001353954.2, NM_001353955.2); c.5094G>C, p.Trp1698Cys (NM_001353957.2, NM_001353958.2, NM_001165964.3); c.5091G>C, p.Trp1697Cys (NM_001353960.2); c.2736G>C, p.Trp912Cys (NM_001353961.2); short protein forms W1697C, W1714C, W1726C, W912C, W1698C, W1715C.
Identifiers: ClinVar variation 5029115 (VCV005029115.1).

ClinVar aggregate classification (germline): Pathogenic (1 of 4 stars; one submission).

Conditions:
Inborn genetic diseases. Identifiers: MedGen C0950123, MeSH D030342.

Submission:

Ambry Genetics
Classification: Pathogenic for Inborn genetic diseases. Last evaluated: 2026-09-08. Review status: criteria provided, single submitter. Criteria: Ambry Variant Classification Scheme 2023. Collection method: clinical testing. Allele origin: germline.
Comment: The c.5178G>C (p.W1726C) alteration is located in exon 26 (coding exon 26) of the SCN1A gene. This alteration results from a G to C substitution at nucleotide position 5178, causing the tryptophan (W) at amino acid position 1726 to be replaced by a cysteine (C). for SCN1A-related seizure disorders; however, its clinical significance for SCN1A-related hemiplegic migraine is uncertain. This variant was not reported in population-based cohorts in the Genome Aggregation Database (gnomAD). Other variant(s) at the same codon, c.5176T>A (p.W1726R), c.5176T>G (p.W1726G), have been identified in individual(s) with features consistent with SCN1A-related seizure disorders (Harkin, 2007; Ko, 2021). This amino acid position is highly conserved in available vertebrate species. This missense variant is located in a region that has a low rate of benign missense variation (Lek, 2016; Firth, 2009). This alteration is predicted to be deleterious by in silico analysis. Based on the available evidence, this alteration is classified as pathogenic.

Literature cited by the submitters: PubMed 17347258; PubMed 35087721.